The following is an entry in ClinVar:

ClinVar aggregate classification (germline): Uncertain significance. Review status: criteria provided, multiple submitters, no conflicts (2 of 4 stars). 2 submissions from 2 submitters: Uncertain significance (2). Last evaluated 2024-03-21.

Conditions:
Hereditary cancer-predisposing syndrome. Also called: Hereditary Cancer Syndrome; Neoplastic Syndromes, Hereditary; Hereditary neoplastic syndrome; Tumor predisposition. Identifiers: Orphanet 140162, MedGen C0027672, MeSH D009386, MONDO:0015356.
Ataxia-telangiectasia syndrome (AT). Also called: Cerebello-oculocutaneous telangiectasia; Immunodeficiency with ataxia telangiectasia; Ataxia-telangiectasia, complementation group E; Ataxia-telangiectasia, complementation group D; AT, COMPLEMENTATION GROUP C; ATAXIA-TELANGIECTASIA, COMPLEMENTATION GROUP A. Identifiers: Orphanet 100, MedGen C0004135, MONDO:0008840, OMIM 208900.

Submissions (2):

Labcorp Genetics (formerly Invitae), Labcorp
Classification: Uncertain significance for Ataxia-telangiectasia syndrome. Last evaluated: 2024-03-21. Review status: criteria provided, single submitter. Criteria: Invitae Variant Classification Sherloc (09022015). Collection method: clinical testing. Allele origin: germline.
Comment: This sequence change replaces glutamine, which is neutral and polar, with proline, which is neutral and non-polar, at codon 65 of the ATM protein (p.Gln65Pro). This variant is not present in population databases (gnomAD no frequency). This variant has not been reported in the literature in individuals affected with ATM-related conditions. ClinVar contains an entry for this variant (Variation ID: 820386). Advanced modeling of protein sequence and biophysical properties (such as structural, functional, and spatial information, amino acid conservation, physicochemical variation, residue mobility, and thermodynamic stability) performed at Invitae indicates that this missense variant is not expected to disrupt ATM protein function with a negative predictive value of 95%. In summary, the available evidence is currently insufficient to determine the role of this variant in disease. Therefore, it has been classified as a Variant of Uncertain Significance.

Ambry Genetics
Classification: Uncertain significance for Hereditary cancer-predisposing syndrome. Last evaluated: 2018-01-25. Review status: criteria provided, single submitter. Criteria: Ambry Variant Classification Scheme 2023. Collection method: clinical testing. Allele origin: germline.
Comment: The p.Q65P variant (also known as c.194A>C), located in coding exon 3 of the ATM gene, results from an A to C substitution at nucleotide position 194. The glutamine at codon 65 is replaced by proline, an amino acid with similar properties. This amino acid position is highly conserved in available vertebrate species. In addition, the in silico prediction for this alteration is inconclusive. Since supporting evidence is limited at this time, the clinical significance of this alteration remains unclear.

NM_000051.4(ATM):c.194A>C (p.Gln65Pro)

Gene: ATM (ATM serine/threonine kinase; plus strand). Cytogenetic location: 11q22.3.
Variant type: single nucleotide variant.
Coding change: c.194A>C on transcript NM_000051.4 (MANE Select); coding-DNA position 194, A replaced by C.
Protein change: p.Gln65Pro; replaces glutamine 65 with proline.
Molecular consequence: missense variant.
Genome position (GRCh38, 1-based): chr11:108,229,186, A>C. VCF-style: chr11-108229186-A-C. GRCh37 (hg19) VCF-style: chr11-108099913-A-C.
Other names: c.194A>C, p.Gln65Pro (NM_001351834.2, NM_001351835.2, NM_001351836.2); short protein forms Q65P.
Identifiers: ClinVar variation 820386 (VCV000820386.6), dbSNP rs760471526, ClinGen allele CA382521150.